The following is an entry in ClinVar:

NM_001130144.3(LTBP3):c.1735C>G (p.Arg579Gly)

Gene: LTBP3 (latent transforming growth factor beta binding protein 3; minus strand). Cytogenetic location: 11q13.1.
Variant type: single nucleotide variant.
Coding change: c.1735C>G on transcript NM_001130144.3 (MANE Select); coding-DNA position 1735, C replaced by G.
Protein change: p.Arg579Gly; replaces arginine 579 with glycine.
Molecular consequence: missense variant.
Genome position (GRCh38, 1-based): chr11:65,548,031, G>C on the plus strand (C>G on the coding strand, the complement: LTBP3 is on the minus strand). VCF-style: chr11-65548031-G-C. GRCh37 (hg19) VCF-style: chr11-65315502-G-C.
Other names: c.1384C>G, p.Arg462Gly (NM_001164266.1); c.1735C>G, p.Arg579Gly (NM_021070.4); short protein forms R462G, R579G.
Identifiers: ClinVar variation 1723657 (VCV001723657.7), dbSNP rs767708438, ClinGen allele CA6100870.
Genomic context (GRCh38, chr11:65,548,031, plus strand): 5'-AGGAGTAGTCAGGGGGGCCCGGCACGCACTCTCCGTGGCCACAGATGTTCTGGTTCAGTC[G>C]GCACTCATCAGTCTCTGCGGGCATGGCCAGGTCAAGCGGCAGAGCAGGGAGCGCTCACCT-3'
Protein context (NP_001123616.1, residues 569-589): PTQVTETDEC[Arg579Gly]LNQNICGHGE

ClinVar aggregate classification (germline): Uncertain significance. Review status: criteria provided, multiple submitters, no conflicts (2 of 4 stars). 3 submissions from 3 submitters: Uncertain significance (3). Last evaluated 2025-08-05.

Conditions:
Brachyolmia-amelogenesis imperfecta syndrome. Also called: Tooth agenesis, selective, 6; Dental anomalies and short stature; PLATYSPONDYLY WITH AMELOGENESIS IMPERFECTA. Identifiers: Orphanet 2899, MedGen C1832594, MONDO:0011018, OMIM 601216. Disease mechanism: loss of function.
Inborn genetic diseases. Identifiers: MedGen C0950123, MeSH D030342.

Allele frequency attached by ClinVar (database versions not stated): ExAC 0.00001; TOPMed 0.00002; gnomAD 0.00001.

Submissions (3):

Ambry Genetics
Classification: Uncertain significance for Inborn genetic diseases. Last evaluated: 2025-08-05. Review status: criteria provided, single submitter. Criteria: Ambry Variant Classification Scheme 2023. Collection method: clinical testing. Allele origin: germline.

Labcorp Genetics (formerly Invitae), Labcorp
Classification: Uncertain significance for Brachyolmia-amelogenesis imperfecta syndrome. Last evaluated: 2025-05-14. Review status: criteria provided, single submitter. Criteria: Invitae Variant Classification Sherloc (09022015). Collection method: clinical testing. Allele origin: germline.
Comment: This sequence change replaces arginine, which is basic and polar, with glycine, which is neutral and non-polar, at codon 579 of the LTBP3 protein (p.Arg579Gly). This variant is present in population databases (rs767708438, gnomAD 0.004%). This variant has not been reported in the literature in individuals affected with LTBP3-related conditions. ClinVar contains an entry for this variant (Variation ID: 1723657). An algorithm developed to predict the effect of missense changes on protein structure and function (PolyPhen-2) suggests that this variant is likely to be tolerated. In summary, the available evidence is currently insufficient to determine the role of this variant in disease. Therefore, it has been classified as a Variant of Uncertain Significance.

GeneDx
Classification: Uncertain significance. Last evaluated: 2022-05-04. Review status: criteria provided, single submitter. Criteria: GeneDx Variant Classification Process June 2021. Collection method: clinical testing. Allele origin: germline. Affected: yes.
Comment: In silico analysis supports that this missense variant does not alter protein structure/function; Has not been previously published as pathogenic or benign to our knowledge